The following is an entry in ClinVar:

ClinVar aggregate classification (germline): Uncertain significance (1 of 4 stars; one submission).

Conditions:
Atrial fibrillation, familial, 7 (ATFB7). Identifiers: MedGen C2677106, MONDO:0012828, OMIM 612240.

Submission:

Labcorp Genetics (formerly Invitae), Labcorp
Classification: Uncertain significance for Atrial fibrillation, familial, 7. Last evaluated: 2025-05-07. Review status: criteria provided, single submitter. Criteria: Invitae Variant Classification Sherloc (09022015). Collection method: clinical testing. Allele origin: germline.
Comment: This sequence change replaces phenylalanine, which is neutral and non-polar, with tyrosine, which is neutral and polar, at codon 522 of the KCNA5 protein (p.Phe522Tyr). This variant is not present in population databases (gnomAD no frequency). This variant has not been reported in the literature in individuals affected with KCNA5-related conditions. Invitae Evidence Modeling of protein sequence and biophysical properties (such as structural, functional, and spatial information, amino acid conservation, physicochemical variation, residue mobility, and thermodynamic stability) indicates that this missense variant is not expected to disrupt KCNA5 protein function with a negative predictive value of 80%. In summary, the available evidence is currently insufficient to determine the role of this variant in disease. Therefore, it has been classified as a Variant of Uncertain Significance.

NM_002234.4(KCNA5):c.1565T>A (p.Phe522Tyr)

Gene: KCNA5 (potassium voltage-gated channel subfamily A member 5; plus strand). Cytogenetic location: 12p13.32.
Variant type: single nucleotide variant.
Coding change: c.1565T>A on transcript NM_002234.4 (MANE Select); coding-DNA position 1565, T replaced by A.
Protein change: p.Phe522Tyr; replaces phenylalanine 522 with tyrosine.
Molecular consequence: missense variant.
Genome position (GRCh38, 1-based): chr12:5,045,712, T>A. VCF-style: chr12-5045712-T-A. GRCh37 (hg19) VCF-style: chr12-5154878-T-A.
Other names: short protein forms F522Y.
Identifiers: ClinVar variation 4738889 (VCV004738889.1).
Genomic context (GRCh38, chr12:5,045,712, plus strand): 5'-TCGCCGGGGTCCTCACCATTGCCCTGCCTGTGCCCGTCATCGTCTCCAACTTCAACTACT[T>A]CTACCACCGGGAAACGGATCACGAGGAGCCGGCAGTCCTTAAGGAAGAGCAGGGCACTCA-3'
Protein context (NP_002225.2, residues 512-532): VPVIVSNFNY[Phe522Tyr]YHRETDHEEP